The following is an entry in ClinVar:

NM_152564.5(VPS13B):c.5955G>A (p.Trp1985Ter)

Gene: VPS13B (vacuolar protein sorting 13 homolog B; plus strand). Cytogenetic location: 8q22.2.
Variant type: single nucleotide variant.
Coding change: c.5955G>A on transcript NM_152564.5 (MANE Select); coding-DNA position 5955, G replaced by A.
Protein change: p.Trp1985Ter; replaces tryptophan 1985 with a stop codon.
Molecular consequence: nonsense.
Genome position (GRCh38, 1-based): chr8:99,661,400, G>A. VCF-style: chr8-99661400-G-A. GRCh37 (hg19) VCF-style: chr8-100673628-G-A.
Other names: c.6030G>A, p.Trp2010Ter (NM_017890.5); short protein forms W1985*, W2010*.
Identifiers: ClinVar variation 451620 (VCV000451620.15), dbSNP rs1554892040, ClinGen allele CA371868854.

ClinVar aggregate classification (germline): Pathogenic. Review status: criteria provided, multiple submitters, no conflicts (2 of 4 stars). 4 submissions from 4 submitters: Pathogenic (4). Last evaluated 2025-10-01.

Conditions:
Cohen syndrome (COH1). Also called: PEPPER SYNDROME; Cutis verticis gyrata, retinitis pigmentosa, and sensorineural deafness. Identifiers: Orphanet 193, MedGen C0265223, MONDO:0008999, OMIM 216550.

Submissions (4):

CeGaT Center for Human Genetics Tuebingen
Classification: Pathogenic. Last evaluated: 2025-10-01. Review status: criteria provided, single submitter. Criteria: CeGaT Center For Human Genetics Tuebingen Variant Classification Criteria Version 2. Collection method: clinical testing. Allele origin: germline. Affected: yes. Observed: 1 variant allele.
Comment: VPS13B: PVS1, PM2, PM3:Supporting

Myriad Genetics, Inc.
Classification: Pathogenic for Cohen syndrome. Last evaluated: 2024-05-08. Review status: criteria provided, single submitter. Criteria: Myriad Autosomal Dominant, Autosomal Recessive and X-Linked Classification Criteria (2023). Collection method: clinical testing. Allele origin: unknown.
Comment: NM_017890.4(VPS13B):c.6030G>A(W2010*) is expected to be pathogenic in the context of Cohen syndrome. This variant is predicted to lead to an abnormal or absent protein product due to the creation of a premature termination codon in VPS13B, a gene where loss-of-function variants are known to be pathogenic. Please note: this variant was assessed in the context of healthy population screening.

Labcorp Genetics (formerly Invitae), Labcorp
Classification: Pathogenic for Cohen syndrome. Last evaluated: 2020-09-15. Review status: criteria provided, single submitter. Criteria: Invitae Variant Classification Sherloc (09022015). Collection method: clinical testing. Allele origin: germline.
Comment: For these reasons, this variant has been classified as Pathogenic. Loss-of-function variants in VPS13B are known to be pathogenic (PMID: 15141358, 16648375, 20461111). This variant has not been reported in the literature in individuals with VPS13B-related conditions. ClinVar contains an entry for this variant (Variation ID: 451620). This variant is not present in population databases (ExAC no frequency). This sequence change creates a premature translational stop signal (p.Trp2010*) in the VPS13B gene. It is expected to result in an absent or disrupted protein product.

GeneDx
Classification: Pathogenic. Last evaluated: 2017-08-31. Review status: criteria provided, single submitter. Criteria: GeneDx Variant Classification (06012015). Collection method: clinical testing. Allele origin: germline. Affected: yes.
Comment: The W2010X nonsense variant in the VPS13B gene is predicted to cause loss of normal protein function either through protein truncation or nonsense-mediated mRNA decay. The W2010X variant is not observed in large population cohorts (Lek et al., 2016; 1000 Genomes Consortium et al., 2015; Exome Variant Server). Although this pathogenic variant has not been reported previously to our knowledge, its presence is consistent with the diagnosis of Cohen syndrome.

Literature cited by the submitters: PubMed 15141358 (cited by Labcorp Genetics (formerly Invitae), Labcorp); PubMed 16648375 (cited by Labcorp Genetics (formerly Invitae), Labcorp); PubMed 20461111 (cited by Labcorp Genetics (formerly Invitae), Labcorp).